The following is an entry in ClinVar:

NM_138694.4(PKHD1):c.2821+5G>T

Gene: PKHD1 (PKHD1 ciliary IPT domain containing fibrocystin/polyductin; minus strand). Cytogenetic location: 6p12.2.
Variant type: single nucleotide variant.
Coding change: c.2821+5G>T on transcript NM_138694.4 (MANE Select); 5 bases into the intron after coding-DNA position 2821, G replaced by T.
Molecular consequence: intron variant.
Genome position (GRCh38, 1-based): chr6:52,043,620, C>A on the plus strand (G>T on the coding strand, the complement: PKHD1 is on the minus strand). VCF-style: chr6-52043620-C-A. GRCh37 (hg19) VCF-style: chr6-51908418-C-A.
Other names: c.2821+5G>T (NM_170724.3).
Identifiers: ClinVar variation 3776290 (VCV003776290.1).

ClinVar aggregate classification (germline): Uncertain significance (1 of 4 stars; one submission).

Conditions:
Polycystic kidney disease 4 (PKD4). Also called: POLYCYSTIC KIDNEY DISEASE 4 WITH OR WITHOUT POLYCYSTIC LIVER DISEASE; PKD3; Autosomal Recessive Polycystic Kidney Disease – PKHD1; POLYCYSTIC KIDNEY AND HEPATIC DISEASE 1; POLYCYSTIC KIDNEY DISEASE, INFANTILE, TYPE I. Identifiers: MedGen C4540575, MONDO:0033004, OMIM 263200.

gnomAD v4.1: 2 of 1,598,014 alleles (0.00013%); highest among the groups gnomAD compares: South Asian, 0.0022%; no homozygotes.

Submission:

3billion
Classification: Uncertain significance for Polycystic kidney disease 4. Last evaluated: 2024-03-11. Review status: criteria provided, single submitter. Criteria: ACMG Guidelines, 2015. Collection method: clinical testing. Allele origin: germline. Affected: yes.
Comment: The variant is not observed in the gnomAD v2.1.1 dataset. Predicted Consequence/Location: Intron variant In silico tools predict the variant to alter splicing and produce an abnormal transcript [SpliceAI: 0.22 (>=0.2, moderate evidence for spliceogenicity)]. Therefore, this variant is classified as VUS according to the recommendation of ACMG/AMP guideline.